The following is an entry in ClinVar:

NM_033360.4(KRAS):c.219G>A (p.Arg73=)

Gene: KRAS (KRAS proto-oncogene, GTPase; minus strand). Cytogenetic location: 12p12.1.
Variant type: single nucleotide variant.
Coding change: c.219G>A on transcript NM_033360.4 (MANE Plus Clinical); coding-DNA position 219, G replaced by A.
Protein change: p.Arg73=; no amino-acid change (arginine 73 retained).
Molecular consequence: synonymous variant.
Genome position (GRCh38, 1-based): chr12:25,227,305, C>T on the plus strand (G>A on the coding strand, the complement: KRAS is on the minus strand). VCF-style: chr12-25227305-C-T. GRCh37 (hg19) VCF-style: chr12-25380239-C-T.
Other names: c.219G>A, p.Arg73= (NM_001369786.1, NM_001369787.1, NM_004985.5 and 2 more transcripts); c.219G>A (NM_004985.3).
Identifiers: ClinVar variation 132971 (VCV000132971.2), dbSNP rs104886027, ClinGen allele CA156308.

ClinVar aggregate classification (germline): Likely benign. Review status: criteria provided, single submitter (1 of 4 stars). 2 submissions from 2 submitters: Likely benign (1). 1 of the submissions does not count toward it. Last evaluated 2025-09-11.

Conditions:
Cardiovascular phenotype. Identifiers: MedGen CN230736.
Sarcoma. Identifiers: MedGen C1261473, MONDO:0005089, HP:0100242.

Allele frequency attached by ClinVar (database versions not stated): gnomAD exomes below 0.00001.
gnomAD v4.1: 1 of 1,612,608 alleles (0.000062%); highest among the groups gnomAD compares: Non-Finnish European, 0.000085%; no homozygotes.

Submissions (2):

Ambry Genetics
Classification: Likely benign for Cardiovascular phenotype. Last evaluated: 2025-09-11. Review status: criteria provided, single submitter. Criteria: Ambry Variant Classification Scheme 2023. Collection method: clinical testing. Allele origin: germline.

Laboratory of Translational Genomics,  National Cancer Institute
No classification provided. Review status: no classification provided. Collection method: not provided. Allele origin: somatic. Not counted in ClinVar's aggregate classification.
Comment: Pediatric sarcoma specimen